The following is an entry in ClinVar:

NM_000059.4(BRCA2):c.1048G>T (p.Glu350Ter)

Gene: BRCA2 (BRCA2 DNA repair associated; plus strand). Cytogenetic location: 13q13.1.
Variant type: single nucleotide variant.
Coding change: c.1048G>T on transcript NM_000059.4 (MANE Select); coding-DNA position 1048, G replaced by T.
Protein change: p.Glu350Ter; replaces glutamic acid 350 with a stop codon.
Molecular consequence: nonsense.
Genome position (GRCh38, 1-based): chr13:32,332,526, G>T. VCF-style: chr13-32332526-G-T. GRCh37 (hg19) VCF-style: chr13-32906663-G-T.
Other names: short protein forms E350*.
Identifiers: ClinVar variation 842028 (VCV000842028.10), dbSNP rs2072403231, ClinGen allele CA387761266.

ClinVar aggregate classification (germline): Pathogenic. Review status: criteria provided, multiple submitters, no conflicts (2 of 4 stars). 2 submissions from 2 submitters: Pathogenic (2). Last evaluated 2024-09-25.

Conditions:
Hereditary cancer-predisposing syndrome. Also called: Hereditary Cancer Syndrome; Hereditary neoplastic syndrome; Tumor predisposition; Neoplastic Syndromes, Hereditary. Identifiers: Orphanet 140162, MedGen C0027672, MeSH D009386, MONDO:0015356.
Hereditary breast ovarian cancer syndrome. Also called: Breast and ovarian cancer; Hereditary breast and ovarian cancer syndrome; Hereditary breast and ovarian cancer syndrome (HBOC); BRCA1- and BRCA2-Associated Hereditary Breast and Ovarian Cancer; Hereditary breast and ovarian cancer; Hereditary breast and/or ovarian cancer syndrome. Identifiers: Orphanet 145, MedGen C0677776, MeSH D061325, MONDO:0003582. Disease mechanism: loss of function.

Submissions (2):

Labcorp Genetics (formerly Invitae), Labcorp
Classification: Pathogenic for Hereditary breast ovarian cancer syndrome. Last evaluated: 2024-09-25. Review status: criteria provided, single submitter. Criteria: Invitae Variant Classification Sherloc (09022015). Collection method: clinical testing. Allele origin: germline.
Comment: This sequence change creates a premature translational stop signal (p.Glu350*) in the BRCA2 gene. It is expected to result in an absent or disrupted protein product. Loss-of-function variants in BRCA2 are known to be pathogenic (PMID: 20104584). This variant is not present in population databases (gnomAD no frequency). This variant has not been reported in the literature in individuals affected with BRCA2-related conditions. ClinVar contains an entry for this variant (Variation ID: 842028). For these reasons, this variant has been classified as Pathogenic.

Ambry Genetics
Classification: Pathogenic for Hereditary cancer-predisposing syndrome. Last evaluated: 2021-06-28. Review status: criteria provided, single submitter. Criteria: Ambry Variant Classification Scheme 2023. Collection method: clinical testing. Allele origin: germline.
Comment: The p.E350* pathogenic mutation (also known as c.1048G>T), located in coding exon 9 of the BRCA2 gene, results from a G to T substitution at nucleotide position 1048. This changes the amino acid from a glutamic acid to a stop codon within coding exon 9. This alteration is expected to result in loss of function by premature protein truncation or nonsense-mediated mRNA decay. As such, this alteration is interpreted as a disease-causing mutation.

Literature cited by the submitters: PubMed 20104584 (cited by Labcorp Genetics (formerly Invitae), Labcorp).